The following is an entry in ClinVar:

NM_000038.6(APC):c.323dup (p.Glu109fs)

Gene: APC (APC regulator of Wnt signaling pathway; plus strand). Cytogenetic location: 5q22.2.
Variant type: Duplication.
Coding change: c.323dup on transcript NM_000038.6 (MANE Select); coding-DNA position 323, one base duplicated (G; older notation c.323dupG).
Protein change: p.Glu109fs; shifts the reading frame from glutamic acid 109.
Molecular consequence: frameshift variant. On other transcripts: 5 prime UTR variant (4), non-coding transcript variant (2).
Genome position (GRCh38, 1-based): chr5:112,767,291, G duplicated; the last of 2 consecutive G bases (chr5:112,767,290-112,767,291); duplicating either gives the same sequence. VCF-style (leftmost placement, unchanged base first): chr5-112767289-T-TG. GRCh37 (hg19) VCF-style: chr5-112102986-T-TG.
Other names: c.323dup, p.Glu109fs (NM_001127510.3, NM_001354895.2, NM_001354896.2 and 16 more transcripts); c.353dup, p.Glu119fs (NM_001127511.3, NM_001354897.2, NM_001354902.2 and 1 more transcripts); c.248dup, p.Glu84fs (NM_001354898.2, NM_001354904.2, NM_001407451.1); c.146dup, p.Glu50fs (NM_001354900.2, NM_001354901.2, NM_001354905.2 and 1 more transcripts); c.-713dup (NM_001354906.2, NM_001407470.1, NM_001407471.1 and 1 more transcripts); short protein forms E109fs, E119fs, E50fs, E84fs.
Identifiers: ClinVar variation 2583594 (VCV002583594.2), dbSNP rs2149788724, ClinGen allele CA2582341298.

ClinVar aggregate classification (germline): Pathogenic (1 of 4 stars; one submission).

Conditions:
Familial adenomatous polyposis 1 (FAP1). Also called: POLYPOSIS, ADENOMATOUS INTESTINAL; FAMILIAL ADENOMATOUS POLYPOSIS 1, ATTENUATED. Identifiers: MedGen C2713442, MONDO:0021056, OMIM 175100. Disease mechanism: loss of function.

Submission:

Myriad Genetics, Inc.
Classification: Pathogenic for Familial adenomatous polyposis 1. Last evaluated: 2023-04-25. Review status: criteria provided, single submitter. Criteria: Myriad Autosomal Dominant, Autosomal Recessive and X-Linked Classification Criteria (2023). Collection method: clinical testing. Allele origin: unknown.
Comment: This variant is considered pathogenic. This variant creates a frameshift predicted to result in premature protein truncation.